The following is an entry in ClinVar:

NM_000097.7(CPOX):c.555A>G (p.Glu185=)

Gene: CPOX (coproporphyrinogen oxidase; minus strand). Cytogenetic location: 3q11.2.
Variant type: single nucleotide variant.
Coding change: c.555A>G on transcript NM_000097.7 (MANE Select); coding-DNA position 555, A replaced by G.
Protein change: p.Glu185=; no amino-acid change (glutamic acid 185 retained).
Molecular consequence: synonymous variant.
Genome position (GRCh38, 1-based): chr3:98,592,950, T>C on the plus strand (A>G on the coding strand, the complement: CPOX is on the minus strand). VCF-style: chr3-98592950-T-C. GRCh37 (hg19) VCF-style: chr3-98311794-T-C.
Identifiers: ClinVar variation 3900531 (VCV003900531.1).

ClinVar aggregate classification (germline): Uncertain significance (1 of 4 stars; one submission).

gnomAD v4.1: 1 of 1,611,842 alleles (0.000062%); highest among the groups gnomAD compares: Non-Finnish European, 0.000085%; no homozygotes.

Submission:

GeneDx
Classification: Uncertain significance. Last evaluated: 2024-11-20. Review status: criteria provided, single submitter. Criteria: GeneDx Variant Classification Process June 2021. Collection method: clinical testing. Allele origin: germline. Affected: yes.
Comment: Not observed at significant frequency in large population cohorts (gnomAD); In silico analysis supports a deleterious effect on splicing; Has not been previously published as pathogenic or benign to our knowledge